The following is an entry in ClinVar:

NM_005902.4(SMAD3):c.1A>G (p.Met1Val)

Genes: SMAD3 (SMAD family member 3; plus strand), LOC130057352 (ATAC-STARR-seq lymphoblastoid silent region 6574; plus strand). Cytogenetic location: 15q22.33.
Variant type: single nucleotide variant.
Coding change: c.1A>G on transcript NM_005902.4 (MANE Select); coding-DNA position 1, A replaced by G.
Protein change: p.Met1Val; changes the start codon (methionine 1).
Molecular consequence: missense variant, initiator codon variant.
Genome position (GRCh38, 1-based): chr15:67,066,155, A>G. VCF-style: chr15-67066155-A-G. GRCh37 (hg19) VCF-style: chr15-67358493-A-G.
Other names: short protein forms M1V.
Identifiers: ClinVar variation 1172631 (VCV001172631.3), dbSNP rs1555405092, ClinGen allele CA393202666.

ClinVar aggregate classification (germline): Pathogenic. Review status: criteria provided, multiple submitters, no conflicts (2 of 4 stars). 2 submissions from 2 submitters: Pathogenic (2). Last evaluated 2025-02-27.

Conditions:
Familial thoracic aortic aneurysm and aortic dissection (TAAD). Also called: Thoracic aortic aneurysms and dissections. Identifiers: Orphanet 91387, MedGen C4707243, MONDO:0019625.
Aortic aneurysm. Also called: Aortic aneurysm (disease). Identifiers: MedGen C0003486, MONDO:0005160, HP:0004942.

Allele frequency attached by ClinVar (database versions not stated): 1000 Genomes Project 30x 0.00016.

Submissions (2):

Labcorp Genetics (formerly Invitae), Labcorp
Classification: Pathogenic for Familial thoracic aortic aneurysm and aortic dissection. Last evaluated: 2025-02-27. Review status: criteria provided, single submitter. Criteria: Invitae Variant Classification Sherloc (09022015). Collection method: clinical testing. Allele origin: germline.
Comment: This sequence change affects the initiator methionine of the SMAD3 mRNA. The next in-frame methionine is located at codon 106. This variant is not present in population databases (gnomAD no frequency). Disruption of the initiator codon has been observed in individuals with spontaneous coronary artery dissection and/or thoracic aortic aneurysm and/or dissection (PMID: 24711937, 28944238, 29907982, 33125268, 37937776; internal data). ClinVar contains an entry for this variant (Variation ID: 1172631). This variant disrupts a region of the SMAD3 protein in which other variant(s) (p.Arg74Trp) have been determined to be pathogenic (PMID: 29510914, 31096651; internal data). This suggests that this is a clinically significant region of the protein, and that variants that disrupt it are likely to be disease-causing. For these reasons, this variant has been classified as Pathogenic.

Equipe Genetique des Anomalies du Developpement, Université de Bourgogne
Classification: Pathogenic for Aortic aneurysm. Review status: criteria provided, single submitter. Criteria: ACMG Guidelines, 2015. Collection method: clinical testing. Allele origin: unknown. Affected: yes.

Literature cited by the submitters: PubMed 24711937 (cited by Labcorp Genetics (formerly Invitae), Labcorp); PubMed 28944238 (cited by Labcorp Genetics (formerly Invitae), Labcorp); PubMed 29907982 (cited by Labcorp Genetics (formerly Invitae), Labcorp); PubMed 33125268 (cited by Labcorp Genetics (formerly Invitae), Labcorp); PubMed 37937776 (cited by Labcorp Genetics (formerly Invitae), Labcorp); PubMed 29510914 (cited by Labcorp Genetics (formerly Invitae), Labcorp); PubMed 31096651 (cited by Labcorp Genetics (formerly Invitae), Labcorp).